The following is an entry in ClinVar:

NM_000587.4(C7):c.1940C>G (p.Pro647Arg)

Gene: C7 (complement C7; plus strand). Cytogenetic location: 5p13.1.
Variant type: single nucleotide variant.
Coding change: c.1940C>G on transcript NM_000587.4 (MANE Select); coding-DNA position 1940, C replaced by G.
Protein change: p.Pro647Arg; replaces proline 647 with arginine.
Molecular consequence: missense variant.
Genome position (GRCh38, 1-based): chr5:40,972,460, C>G. VCF-style: chr5-40972460-C-G. GRCh37 (hg19) VCF-style: chr5-40972562-C-G.
Other names: short protein forms P647R.
Identifiers: ClinVar variation 2387526 (VCV002387526.3), dbSNP rs1047977945, ClinGen allele CA117233778.
Genomic context (GRCh38, chr5:40,972,460, plus strand): 5'-TAGAAATTGCCTGTGTTCTACCTGTACTGATGGATGGCATACAGAGTCACCCCCAAAAAC[C>G]TTTCTACACAGTTGGTGAGAAGGTGACTGTTTCCTGTTCAGGTGGCATGTCCTTAGAAGG-3'
Protein context (NP_000578.2, residues 637-657): MDGIQSHPQK[Pro647Arg]FYTVGEKVTV

ClinVar aggregate classification (germline): Uncertain significance. Review status: criteria provided, multiple submitters, no conflicts (2 of 4 stars). 2 submissions from 2 submitters: Uncertain significance (2). Last evaluated 2025-10-27.

Conditions:
Inborn genetic diseases. Identifiers: MedGen C0950123, MeSH D030342.

Allele frequency attached by ClinVar (database versions not stated): gnomAD exomes below 0.00001; TOPMed 0.00002; gnomAD 0.00003.
gnomAD v4.1: 6 of 1,613,726 alleles (0.00037%); highest among the groups gnomAD compares: African/African-American, 0.008%; no homozygotes.

Submissions (2):

Labcorp Genetics (formerly Invitae), Labcorp
Classification: Uncertain significance. Last evaluated: 2025-10-27. Review status: criteria provided, single submitter. Criteria: Invitae Variant Classification Sherloc (09022015). Collection method: clinical testing. Allele origin: germline.
Comment: This sequence change replaces proline, which is neutral and non-polar, with arginine, which is basic and polar, at codon 647 of the C7 protein (p.Pro647Arg). This variant is present in population databases (no rsID available, gnomAD 0.03%). This variant has not been reported in the literature in individuals affected with C7-related conditions. ClinVar contains an entry for this variant (Variation ID: 2387526). Invitae Evidence Modeling of protein sequence and biophysical properties (such as structural, functional, and spatial information, amino acid conservation, physicochemical variation, residue mobility, and thermodynamic stability) indicates that this missense variant is not expected to disrupt C7 protein function with a negative predictive value of 80%. In summary, the available evidence is currently insufficient to determine the role of this variant in disease. Therefore, it has been classified as a Variant of Uncertain Significance.

Ambry Genetics
Classification: Uncertain significance for Inborn genetic diseases. Last evaluated: 2022-12-01. Review status: criteria provided, single submitter. Criteria: Ambry Variant Classification Scheme 2023. Collection method: clinical testing. Allele origin: germline.